The following is an entry in ClinVar:

NM_005751.5(AKAP9):c.456C>A (p.Asp152Glu)

Gene: AKAP9 (A-kinase anchoring protein 9; plus strand). Cytogenetic location: 7q21.2.
Variant type: single nucleotide variant.
Coding change: c.456C>A on transcript NM_005751.5 (MANE Select); coding-DNA position 456, C replaced by A.
Protein change: p.Asp152Glu; replaces aspartic acid 152 with glutamic acid.
Molecular consequence: missense variant.
Genome position (GRCh38, 1-based): chr7:91,992,935, C>A. VCF-style: chr7-91992935-C-A. GRCh37 (hg19) VCF-style: chr7-91622249-C-A.
Other names: c.456C>A, p.Asp152Glu (NM_147185.3); short protein forms D152E.
Identifiers: ClinVar variation 412017 (VCV000412017.14), dbSNP rs138567837, ClinGen allele CA4335819.
Genomic context (GRCh38, chr7:91,992,935, plus strand): 5'-ATTGATTTAGGAAGAAGAATTTGGTGTTGATGATTCTTATTCTGAACAAGGAGCACAAGA[C>A]AGTCCGACTCATCTAGAGATGATGGAAAGTGAGTTGGCTGGGAAGCAGCATGAGATTGAA-3'
Protein context (NP_005742.4, residues 142-162): DDSYSEQGAQ[Asp152Glu]SPTHLEMMES

ClinVar aggregate classification (germline): Conflicting classifications of pathogenicity. Review status: criteria provided, conflicting classifications (1 of 4 stars). 4 submissions from 4 submitters: Uncertain significance (2); Likely benign (2). Last evaluated 2026-06-01.

Conditions:
Cardiovascular phenotype. Identifiers: MedGen CN230736.
Long QT syndrome (LQTS). Identifiers: MedGen C0023976, MeSH D008133, MONDO:0002442. Disease mechanism: loss of function. Inheritance: Various modes of inheritance.

Allele frequency attached by ClinVar (database versions not stated): gnomAD exomes 0.00003 and 0.00008; ExAC 0.00010; 1000 Genomes Project 0.00020; 1000 Genomes Project 30x 0.00031; ESP Exome Variant Server 0.00031; gnomAD 0.00033 and 0.00036; TOPMed 0.00047.

Submissions (4):

CeGaT Center for Human Genetics Tuebingen
Classification: Likely benign. Last evaluated: 2026-06-01. Review status: criteria provided, single submitter. Criteria: CeGaT Center For Human Genetics Tuebingen Variant Classification Criteria Version 2. Collection method: clinical testing. Allele origin: germline. Affected: yes. Observed: 1 variant allele.
Comment: AKAP9: BP4

Labcorp Genetics (formerly Invitae), Labcorp
Classification: Uncertain significance for Long QT syndrome. Last evaluated: 2024-10-28. Review status: criteria provided, single submitter. Criteria: Invitae Variant Classification Sherloc (09022015). Collection method: clinical testing. Allele origin: germline.
Comment: This sequence change replaces aspartic acid, which is acidic and polar, with glutamic acid, which is acidic and polar, at codon 152 of the AKAP9 protein (p.Asp152Glu). This variant is present in population databases (rs138567837, gnomAD 0.1%), and has an allele count higher than expected for a pathogenic variant. This variant has not been reported in the literature in individuals affected with AKAP9-related conditions. ClinVar contains an entry for this variant (Variation ID: 412017). An algorithm developed to predict the effect of missense changes on protein structure and function (PolyPhen-2) suggests that this variant¬†is likely to be tolerated. In summary, the available evidence is currently insufficient to determine the role of this variant in disease. Therefore, it has been classified as a Variant of Uncertain Significance.

Women's Health and Genetics/Laboratory Corporation of America, LabCorp
Classification: Likely benign. Last evaluated: 2022-11-28. Review status: criteria provided, single submitter. Criteria: LabCorp Variant Classification Summary - May 2015. Collection method: clinical testing. Allele origin: germline.

Ambry Genetics
Classification: Uncertain significance for Cardiovascular phenotype. Last evaluated: 2022-06-03. Review status: criteria provided, single submitter. Criteria: Ambry Variant Classification Scheme 2023. Collection method: clinical testing. Allele origin: germline.